The following is an entry in ClinVar:

ClinVar aggregate classification (germline): Uncertain significance (0 of 4 stars; one submission).

Conditions:
LAMA3-related disorder. Also called: LAMA3-related condition; LAMA3-related disorders.

gnomAD v4.1: 108 of 1,613,952 alleles (0.0067%); highest among the groups gnomAD compares: South Asian, 0.076%; 2 homozygotes.

Submission:

PreventionGenetics, part of Exact Sciences
Classification: Uncertain significance for LAMA3-related condition. Last evaluated: 2024-09-04. Review status: no assertion criteria provided. Collection method: clinical testing. Allele origin: germline.
Comment: The LAMA3 c.4937G>A variant is predicted to result in the amino acid substitution p.Arg1646His. In the primary transcript listed in the Human Gene Mutation Database (NM_000227.6) this variant resides in the pre-coding region (c.-1445G>A). To our knowledge, this variant has not been reported in the literature. This variant is reported in 0.049% of alleles in individuals of South Asian descent in gnomAD. Although we suspect that this variant may be benign, at this time, the clinical significance of this variant is uncertain due to the absence of conclusive functional and genetic evidence.

NM_198129.4(LAMA3):c.4937G>A (p.Arg1646His)

Gene: LAMA3 (laminin subunit alpha 3; plus strand). Cytogenetic location: 18q11.2.
Variant type: single nucleotide variant.
Coding change: c.4937G>A on transcript NM_198129.4 (MANE Select); coding-DNA position 4937, G replaced by A.
Protein change: p.Arg1646His; replaces arginine 1646 with histidine.
Molecular consequence: missense variant.
Genome position (GRCh38, 1-based): chr18:23,871,600, G>A. VCF-style: chr18-23871600-G-A. GRCh37 (hg19) VCF-style: chr18-21451564-G-A.
Other names: c.4937G>A, p.Arg1646His (NM_001127717.4); short protein forms R1646H.
Identifiers: ClinVar variation 3352243 (VCV003352243.1).
Genomic context (GRCh38, chr18:23,871,600, plus strand): 5'-CTCAAAGGCTCACCCTGAGCGAGGTGGGGCTAGAGGAAGCCTCTGACACAGGAAGTGGGC[G>A]CATAGCACTTGCTGTGGAAATCTGTGCCTGCCCCCCTGCCTACGCTGGTGACTCTTGTCA-3'
Protein context (NP_937762.2, residues 1636-1656): LEEASDTGSG[Arg1646His]IALAVEICAC